The following is an entry in ClinVar:

ClinVar aggregate classification (germline): Uncertain significance. Review status: criteria provided, multiple submitters, no conflicts (2 of 4 stars). 2 submissions from 2 submitters: Uncertain significance (2). Last evaluated 2024-11-14.

Conditions:
Inborn genetic diseases. Identifiers: MedGen C0950123, MeSH D030342.

Allele frequency attached by ClinVar (database versions not stated): gnomAD exomes below 0.00001; ExAC 0.00001; TOPMed 0.00002; gnomAD 0.00004.

Submissions (2):

Ambry Genetics
Classification: Uncertain significance for Inborn genetic diseases. Last evaluated: 2024-11-14. Review status: criteria provided, single submitter. Criteria: Ambry Variant Classification Scheme 2023. Collection method: clinical testing. Allele origin: germline.

Labcorp Genetics (formerly Invitae), Labcorp
Classification: Uncertain significance. Last evaluated: 2022-12-19. Review status: criteria provided, single submitter. Criteria: Invitae Variant Classification Sherloc (09022015). Collection method: clinical testing. Allele origin: germline.
Comment: In summary, the available evidence is currently insufficient to determine the role of this variant in disease. Therefore, it has been classified as a Variant of Uncertain Significance. Algorithms developed to predict the effect of missense changes on protein structure and function (SIFT, PolyPhen-2, Align-GVGD) all suggest that this variant is likely to be tolerated. This variant has not been reported in the literature in individuals affected with OBSL1-related conditions. This variant is present in population databases (no rsID available, gnomAD 0.02%). This sequence change replaces proline, which is neutral and non-polar, with serine, which is neutral and polar, at codon 1237 of the OBSL1 protein (p.Pro1237Ser).

NM_015311.3(OBSL1):c.3709C>T (p.Pro1237Ser)

Gene: OBSL1 (obscurin like cytoskeletal adaptor 1; minus strand). Cytogenetic location: 2q35.
Variant type: single nucleotide variant.
Coding change: c.3709C>T on transcript NM_015311.3 (MANE Select); coding-DNA position 3709, C replaced by T.
Protein change: p.Pro1237Ser; replaces proline 1237 with serine.
Molecular consequence: missense variant.
Genome position (GRCh38, 1-based): chr2:219,557,904, G>A on the plus strand (C>T on the coding strand, the complement: OBSL1 is on the minus strand). VCF-style: chr2-219557904-G-A. GRCh37 (hg19) VCF-style: chr2-220422626-G-A.
Other names: c.3709C>T, p.Pro1237Ser (NM_001173431.2); c.3709C>T (NM_015311.2); short protein forms P1237S.
Identifiers: ClinVar variation 2413926 (VCV002413926.5), dbSNP rs958671704, ClinGen allele CA2130776.